The following is an entry in ClinVar:

ClinVar aggregate classification (germline): Uncertain significance (1 of 4 stars; one submission).

Submission:

GeneDx
Classification: Uncertain significance. Last evaluated: 2024-03-05. Review status: criteria provided, single submitter. Criteria: GeneDx Variant Classification Process June 2021. Collection method: clinical testing. Allele origin: germline. Affected: yes.
Comment: Not observed at significant frequency in large population cohorts (gnomAD); In silico analysis supports that this missense variant does not alter protein structure/function; Has not been previously published as pathogenic or benign to our knowledge

NM_005120.3(MED12):c.2278G>A (p.Val760Met)

Gene: MED12 (mediator complex subunit 12; plus strand). Cytogenetic location: Xq13.1.
Variant type: single nucleotide variant.
Coding change: c.2278G>A on transcript NM_005120.3 (MANE Select); coding-DNA position 2278, G replaced by A.
Protein change: p.Val760Met; replaces valine 760 with methionine.
Molecular consequence: missense variant.
Genome position (GRCh38, 1-based): chrX:71,125,402, G>A. VCF-style: chrX-71125402-G-A. GRCh37 (hg19) VCF-style: chrX-70345252-G-A.
Other names: short protein forms V760M.
Identifiers: ClinVar variation 3370604 (VCV003370604.1).